The following is an entry in ClinVar:

NM_001903.5(CTNNA1):c.2433+4A>T

Gene: CTNNA1 (catenin alpha 1; plus strand). Cytogenetic location: 5q31.2.
Variant type: single nucleotide variant.
Coding change: c.2433+4A>T on transcript NM_001903.5 (MANE Select); 4 bases into the intron after coding-DNA position 2433, A replaced by T.
Molecular consequence: intron variant.
Genome position (GRCh38, 1-based): chr5:138,932,716, A>T. VCF-style: chr5-138932716-A-T. GRCh37 (hg19) VCF-style: chr5-138268405-A-T.
Other names: c.2433+4A>T (NM_001323982.2, NM_001323984.2, NM_001290307.3 and 2 more transcripts); c.2340+4A>T (NM_001323986.2); c.2064+4A>T (NM_001290310.3); c.2124+4A>T (NM_001290309.3); c.1323+4A>T (NM_001323996.1, NM_001323993.1, NM_001324005.1 and 16 more transcripts); c.984+4A>T (NM_001324007.1, NM_001324009.1, NM_001324006.1 and 2 more transcripts); c.1080+4A>T (NM_001324013.1, NM_001324012.1); c.1189-1086A>T (NM_001324001.1); and 1 more.
Identifiers: ClinVar variation 4726523 (VCV004726523.1).

ClinVar aggregate classification (germline): Uncertain significance (1 of 4 stars; one submission).

Submission:

Labcorp Genetics (formerly Invitae), Labcorp
Classification: Uncertain significance. Last evaluated: 2025-09-03. Review status: criteria provided, single submitter. Criteria: Invitae Variant Classification Sherloc (09022015). Collection method: clinical testing. Allele origin: germline.
Comment: This sequence change falls in intron 17 of the CTNNA1 gene. It does not directly change the encoded amino acid sequence of the CTNNA1 protein. It affects a nucleotide within the consensus splice site. This variant is not present in population databases (gnomAD no frequency). This variant has not been reported in the literature in individuals affected with CTNNA1-related conditions. Variants that disrupt the consensus splice site are a relatively common cause of aberrant splicing (PMID: 17576681, 9536098). Algorithms developed to predict the effect of sequence changes on RNA splicing suggest that this variant may create or strengthen a splice site. In summary, the available evidence is currently insufficient to determine the role of this variant in disease. Therefore, it has been classified as a Variant of Uncertain Significance.

Literature cited by the submitters: PubMed 17576681; PubMed 9536098.